The following is an entry in ClinVar:

ClinVar aggregate classification (germline): Uncertain significance (1 of 4 stars; one submission).

Submission:

Labcorp Genetics (formerly Invitae), Labcorp
Classification: Uncertain significance. Last evaluated: 2023-05-01. Review status: criteria provided, single submitter. Criteria: Invitae Variant Classification Sherloc (09022015). Collection method: clinical testing. Allele origin: germline.
Comment: This sequence change replaces histidine, which is basic and polar, with glutamine, which is neutral and polar, at codon 2507 of the CHD8 protein (p.His2507Gln). In summary, the available evidence is currently insufficient to determine the role of this variant in disease. Therefore, it has been classified as a Variant of Uncertain Significance. An algorithm developed to predict the effect of missense changes on protein structure and function (PolyPhen-2) suggests that this variant is likely to be tolerated. This variant has not been reported in the literature in individuals affected with CHD8-related conditions. This variant is not present in population databases (gnomAD no frequency).

NM_001170629.2(CHD8):c.7521C>G (p.His2507Gln)

Gene: CHD8 (chromodomain helicase DNA binding protein 8; minus strand). Cytogenetic location: 14q11.2.
Variant type: single nucleotide variant.
Coding change: c.7521C>G on transcript NM_001170629.2 (MANE Select); coding-DNA position 7521, C replaced by G.
Protein change: p.His2507Gln; replaces histidine 2507 with glutamine.
Molecular consequence: missense variant.
Genome position (GRCh38, 1-based): chr14:21,385,838, G>C on the plus strand (C>G on the coding strand, the complement: CHD8 is on the minus strand). VCF-style: chr14-21385838-G-C. GRCh37 (hg19) VCF-style: chr14-21853997-G-C.
Other names: c.6684C>G, p.His2228Gln (NM_020920.4); short protein forms H2228Q, H2507Q.
Identifiers: ClinVar variation 2861387 (VCV002861387.3), dbSNP rs2501812412, ClinGen allele CA388874908.